The following is an entry in ClinVar:

ClinVar aggregate classification (germline): Uncertain significance (1 of 4 stars; one submission).

Conditions:
Intellectual disability, autosomal recessive 53 (NEDHSCA). Also called: GLYCOSYLPHOSPHATIDYLINOSITOL BIOSYNTHESIS DEFECT 13; NEURODEVELOPMENTAL DISORDER WITH OR WITHOUT HYPOTONIA, SEIZURES, AND CEREBELLAR ATROPHY; Mental retardation, autosomal recessive 53. Identifiers: Orphanet 488635, MedGen C4310794, MONDO:0014832, OMIM 616917.

gnomAD v4.1: 9 of 1,614,190 alleles (0.00056%); highest among the groups gnomAD compares: Admixed American, 0.01%; no homozygotes.

Submission:

Labcorp Genetics (formerly Invitae), Labcorp
Classification: Uncertain significance for Intellectual disability, autosomal recessive 53. Last evaluated: 2023-07-17. Review status: criteria provided, single submitter. Criteria: Invitae Variant Classification Sherloc (09022015). Collection method: clinical testing. Allele origin: germline.
Comment: This sequence change replaces leucine, which is neutral and non-polar, with methionine, which is neutral and non-polar, at codon 419 of the PIGG protein (p.Leu419Met). This variant is present in population databases (no rsID available, gnomAD 0.01%). This variant has not been reported in the literature in individuals affected with PIGG-related conditions. ClinVar contains an entry for this variant (Variation ID: 1943152). Advanced modeling of protein sequence and biophysical properties (such as structural, functional, and spatial information, amino acid conservation, physicochemical variation, residue mobility, and thermodynamic stability) performed at Invitae indicates that this missense variant is not expected to disrupt PIGG protein function. In summary, the available evidence is currently insufficient to determine the role of this variant in disease. Therefore, it has been classified as a Variant of Uncertain Significance.

NM_001127178.3(PIGG):c.1255C>A (p.Leu419Met)

Gene: PIGG (phosphatidylinositol glycan anchor biosynthesis class G (EMM blood group); plus strand). Cytogenetic location: 4p16.3.
Variant type: single nucleotide variant.
Coding change: c.1255C>A on transcript NM_001127178.3 (MANE Select); coding-DNA position 1255, C replaced by A.
Protein change: p.Leu419Met; replaces leucine 419 with methionine.
Molecular consequence: missense variant. On other transcripts: 5 prime UTR variant (2), non-coding transcript variant (10), intron variant (1).
Genome position (GRCh38, 1-based): chr4:521,196, C>A. VCF-style: chr4-521196-C-A. GRCh37 (hg19) VCF-style: chr4-514985-C-A.
Other names: c.988C>A, p.Leu330Met (NM_001289051.2, NM_001289053.2, NM_001345986.2 and 1 more transcripts); c.856C>A, p.Leu286Met (NM_001289052.2); c.889C>A, p.Leu297Met (NM_001289055.2); c.226C>A, p.Leu76Met (NM_001345988.2); c.1255C>A, p.Leu419Met (NM_001345989.2, NM_017733.5); c.-233C>A (NM_001345990.2, NM_001345991.2); c.181C>A, p.Leu61Met (NM_001345994.2); c.848-464C>A (NM_001289057.2); short protein forms L419M, L61M, L297M, L330M, L76M, L286M.
Identifiers: ClinVar variation 1943152 (VCV001943152.3), dbSNP rs1382035710, ClinGen allele CA355903995.